The following is an entry in ClinVar:

ClinVar aggregate classification (germline): Uncertain significance. Review status: criteria provided, multiple submitters, no conflicts (2 of 4 stars). 4 submissions from 4 submitters: Uncertain significance (4). Last evaluated 2025-05-14.

Conditions:
Inborn genetic diseases. Identifiers: MedGen C0950123, MeSH D030342.

Allele frequency attached by ClinVar (database versions not stated): gnomAD exomes below 0.00001; ExAC 0.00001; TOPMed 0.00002; gnomAD 0.00003; 1000 Genomes Project 0.00020; 1000 Genomes Project 30x 0.00031.

Submissions (4):

GeneDx
Classification: Uncertain significance. Last evaluated: 2025-05-14. Review status: criteria provided, single submitter. Criteria: GeneDx Variant Classification Process June 2021. Collection method: clinical testing. Allele origin: germline. Affected: yes.
Comment: Has not been previously published as pathogenic or benign to our knowledge; In silico analysis suggests that this missense variant does not alter protein structure/function; In silico analysis is inconclusive as to whether the variant alters gene splicing. In the absence of RNA/functional studies, the actual effect of this sequence change is unknown.

Ambry Genetics
Classification: Uncertain significance for Inborn genetic diseases. Last evaluated: 2025-04-12. Review status: criteria provided, single submitter. Criteria: Ambry Variant Classification Scheme 2023. Collection method: clinical testing. Allele origin: germline.

Labcorp Genetics (formerly Invitae), Labcorp
Classification: Uncertain significance. Last evaluated: 2024-08-01. Review status: criteria provided, single submitter. Criteria: Invitae Variant Classification Sherloc (09022015). Collection method: clinical testing. Allele origin: germline.
Comment: This sequence change replaces arginine, which is basic and polar, with cysteine, which is neutral and slightly polar, at codon 368 of the DNA2 protein (p.Arg368Cys). This variant is present in population databases (rs555751651, gnomAD 0.004%). This variant has not been reported in the literature in individuals affected with DNA2-related conditions. ClinVar contains an entry for this variant (Variation ID: 434949). Advanced modeling of protein sequence and biophysical properties (such as structural, functional, and spatial information, amino acid conservation, physicochemical variation, residue mobility, and thermodynamic stability) performed at Invitae indicates that this missense variant is not expected to disrupt DNA2 protein function with a negative predictive value of 80%. Algorithms developed to predict the effect of sequence changes on RNA splicing suggest that this variant may disrupt the consensus splice site. In summary, the available evidence is currently insufficient to determine the role of this variant in disease. Therefore, it has been classified as a Variant of Uncertain Significance.

Genetic Services Laboratory, University of Chicago
Classification: Uncertain significance. Last evaluated: 2017-01-13. Review status: criteria provided, single submitter. Criteria: ACMG Guidelines, 2015. Collection method: clinical testing. Allele origin: germline. Affected: no.

NM_001080449.3(DNA2):c.1102C>T (p.Arg368Cys)

Gene: DNA2 (DNA replication helicase/nuclease 2; minus strand). Cytogenetic location: 10q21.3.
Variant type: single nucleotide variant.
Coding change: c.1102C>T on transcript NM_001080449.3 (MANE Select); coding-DNA position 1102, C replaced by T.
Protein change: p.Arg368Cys; replaces arginine 368 with cysteine.
Molecular consequence: missense variant. On other transcripts: non-coding transcript variant (1).
Genome position (GRCh38, 1-based): chr10:68,445,039, G>A on the plus strand (C>T on the coding strand, the complement: DNA2 is on the minus strand). VCF-style: chr10-68445039-G-A. GRCh37 (hg19) VCF-style: chr10-70204796-G-A.
Other names: short protein forms R368C.
Identifiers: ClinVar variation 434949 (VCV000434949.10), dbSNP rs555751651, ClinGen allele CA5525129.
Genomic context (GRCh38, chr10:68,445,039, plus strand): 5'-CAATTATTTGTGGCAAAGAAGCAAGCTGTGTCTTCTGTCTAGTAGCAGATTTGCTAATAC[G>A]GTGAAACAATGAGAATGCCATCTGGTTTCTTAGCTTTAATAATTCTATGAAAAAAAAGGT-3'
Protein context (NP_001073918.2, residues 358-378): RNQMAFSLFH[Arg368Cys]ISKSATRQKT